The following is an entry in ClinVar:

ClinVar aggregate classification (germline): Pathogenic/Likely pathogenic. Review status: criteria provided, multiple submitters, no conflicts (2 of 4 stars). 14 submissions from 13 submitters: Pathogenic (8); Likely pathogenic (3). 3 of the submissions do not count toward it. Last evaluated 2026-04-01.

Conditions:
Monogenic hearing loss.
Usher syndrome. Also called: Usher Syndromes; Usher's syndrome. Identifiers: Orphanet 886, MedGen CN469326, MeSH D052245, MONDO:0019501. Disease mechanism: loss of function.
Rare genetic deafness. Identifiers: Orphanet 96210, MedGen C5680250.
USH2A-related disorder. Also called: USH2A-related condition; USH2A-related disorders. Identifiers: MedGen CN239332.
Retinitis pigmentosa 39 (RP39). Identifiers: Orphanet 791, MedGen C3151138, MONDO:0013436, OMIM 613809.
Usher syndrome type 2A. Also called: USHER SYNDROME, TYPE IIA; RETINAL DISEASE IN USHER SYNDROME TYPE IIA, MODIFIER OF. Identifiers: Orphanet 231178, Orphanet 886, MedGen C1848634, MONDO:0010169, OMIM 276901.

Allele frequency attached by ClinVar (database versions not stated): gnomAD exomes below 0.00001 and 0.00001; TOPMed 0.00001; ExAC 0.00002.
gnomAD v4.1: 4 of 1,613,862 alleles (0.00025%); highest among the groups gnomAD compares: Non-Finnish European, 0.00034%; no homozygotes.

Submissions (14):

CeGaT Center for Human Genetics Tuebingen
Classification: Pathogenic. Last evaluated: 2026-04-01. Review status: criteria provided, single submitter. Criteria: CeGaT Center For Human Genetics Tuebingen Variant Classification Criteria Version 2. Collection method: clinical testing. Allele origin: germline. Affected: yes. Observed: 2 variant alleles.
Comment: USH2A: PM3:Very Strong, PM2, PP4

Natera, Inc.
Classification: Pathogenic for Usher syndrome type 2A. Last evaluated: 2025-12-02. Review status: criteria provided, single submitter. Criteria: Natera Variant Classification Schema (03/2026). Collection method: clinical testing. Allele origin: germline.
Comment: The c.1055C>T variant in USH2A is a missense variant predicted to cause substitution of threonine to isoleucine at amino acid 352. This variant is rare in the general population with a frequency below the threshold expected for the associated phenotype(s). This variant has been observed in one or more individuals affected with the associated recessive disease, as either homozygous or compound heterozygous with a second variant (PMID: 33576794, 28653555, 27460420, 25575603). Computational prediction algorithms indicate this variant is likely to affect gene or protein function. Given the available evidence, this variant is classified as Pathogenic.

Genetics Laboratory, Great Ormond Street Hospital NHS Foundation Trust, North Thames Genomic Laboratory Hub
Classification: Pathogenic for Monogenic hearing loss. Last evaluated: 2025-10-13. Review status: criteria provided, single submitter. Criteria: ACGS Best Practice Guidelines for Variant Classification in Rare Disease 2024 v1.2. Collection method: clinical testing. Allele origin: germline. Affected: yes.
Comment: PM2_moderate, PP3_supporting, PM3_very-strong

Blueprint Genetics
Classification: Pathogenic for USH2A-related disorders. Last evaluated: 2024-05-16. Review status: criteria provided, single submitter. Criteria: ACMG Guidelines, 2015. Collection method: clinical testing. Allele origin: germline. Affected: yes. Observed: 5 variant alleles.

Labcorp Genetics (formerly Invitae), Labcorp
Classification: Pathogenic. Last evaluated: 2024-04-07. Review status: criteria provided, single submitter. Criteria: Invitae Variant Classification Sherloc (09022015). Collection method: clinical testing. Allele origin: germline.
Comment: This sequence change replaces threonine, which is neutral and polar, with isoleucine, which is neutral and non-polar, at codon 352 of the USH2A protein (p.Thr352Ile). This variant is present in population databases (rs780308389, gnomAD 0.002%). This missense change has been observed in individual(s) with USH2A-related conditions (PMID: 17405132, 24498627, 25575603, 28653555, 29142287). In at least one individual the data is consistent with being in trans (on the opposite chromosome) from a pathogenic variant. ClinVar contains an entry for this variant (Variation ID: 438002). Advanced modeling of protein sequence and biophysical properties (such as structural, functional, and spatial information, amino acid conservation, physicochemical variation, residue mobility, and thermodynamic stability) performed at Invitae indicates that this missense variant is expected to disrupt USH2A protein function with a positive predictive value of 95%. For these reasons, this variant has been classified as Pathogenic.

Genome-Nilou Lab
Classification: Likely pathogenic for Retinitis pigmentosa 39. Last evaluated: 2023-11-04. Review status: criteria provided, single submitter. Criteria: ACMG Guidelines, 2015. Collection method: clinical testing. Allele origin: germline. Affected: no.

Genome-Nilou Lab
Classification: Likely pathogenic for Usher syndrome type 2A. Last evaluated: 2023-11-04. Review status: criteria provided, single submitter. Criteria: ACMG Guidelines, 2015. Collection method: clinical testing. Allele origin: germline. Affected: no.

GeneDx
Classification: Pathogenic. Last evaluated: 2023-09-11. Review status: criteria provided, single submitter. Criteria: GeneDx Variant Classification Process June 2021. Collection method: clinical testing. Allele origin: germline. Affected: yes.
Comment: Not observed at significant frequency in large population cohorts (gnomAD); In silico analysis supports that this missense variant has a deleterious effect on protein structure/function; This variant is associated with the following publications: (PMID: 33411470, 28653555, 31589614, 33576794, 35266249, 29142287, 17405132, 24498627, 25575603, 16963483, 18273898, 27460420, 34781295, 34948090, 28041643, 21569298)

Dasa
Classification: Pathogenic for USH2A-related disorder. Last evaluated: 2022-02-14. Review status: criteria provided, single submitter. Criteria: ACMG Guidelines, 2015. Collection method: clinical testing. Allele origin: germline. Affected: yes. Observed: 1 variant allele.
Comment: The c.1055C>T;p.(Thr352Ile) missense variant has been observed in affected individual(s) and ClinVar contains an entry for this variant (Clinvar ID: 438002; PMID: 29142287; 28653555; 27460420; 25575603; 24498627; 21569298; 18273898; 17405132) - PS4. The variant is present at low allele frequencies population databases (rs780308389 - gnomAD 0.00007968%; ABraOM 0.000427 frequency) - PM2_supporting. The p.(Thr352Ile) was detected in trans with a pathogenic variant (PMID: 29142287; 28653555; 25575603; 24498627; 17405132) - PM3_strong. The variant co-segregated with disease in multiple affected family members (PMID: 29142287) - PP1_moderate. Multiple lines of computational evidence support a deleterious effect on the gene or gene product - PP3. In summary, the currently available evidence indicates that the variant is pathogenic.

Ocular Genomics Institute, Massachusetts Eye and Ear
Classification: Likely pathogenic for Retinitis pigmentosa 39. Last evaluated: 2021-04-08. Review status: criteria provided, single submitter. Criteria: ACMG Guidelines, 2015. Collection method: research. Allele origin: germline. Affected: yes.
Comment: Through a review of available evidence we were able to apply the following criteria: PM2, PP3, PM1-S. Based on this evidence we have classified this variant as Likely Pathogenic.

Laboratory for Molecular Medicine, Mass General Brigham Personalized Medicine
Classification: Pathogenic for Rare genetic deafness. Last evaluated: 2017-04-11. Review status: criteria provided, single submitter. Criteria: LMM Criteria. Collection method: clinical testing. Allele origin: germline. Inheritance: Autosomal recessive inheritance. Observed: 2 variant alleles.
Comment: The p.Thr352Ile variant in USH2A has been reported in at least 7 individuals wit h Usher syndrome, 5 of whom carried a second pathogenic variant on the other all ele (Baux 2007, Cremers 2007, Dreyer 2008, Bonnet 2011, Besnard 2013, Lenarduzzi 2015, Bonnet 2016). This variant has also been identified in 2/111896 European chromosomes by the Genome Aggregation Database (gnomAD; dbSNP rs780308389). This frequency in the general population is low en ough to be consistent with a recessive carrier frequency for Usher syndrome. In summary, this variant meets criteria to be classified as pathogenic for autosoma l recessive Usher syndrome based on multiple occurrences with a second pathogeni c variant in affected individuals.

PreventionGenetics, part of Exact Sciences
Classification: Likely pathogenic for USH2A-related condition. Last evaluated: 2024-01-16. Review status: no assertion criteria provided. Collection method: clinical testing. Allele origin: germline. Not counted in ClinVar's aggregate classification.
Comment: The USH2A c.1055C>T variant is predicted to result in the amino acid substitution p.Thr352Ile. This variant was reported in the compound heterozygous or homozygous states in individuals with retinitis pigmentosa or Usher syndrome (Magliulo et al. 2017. PubMed ID: 28653555; Table S4 & S5, Colombo et al. 2021. PubMed ID: 33576794; Colombo et al. 2021. PubMed ID: 34781295; Table S2, Mansard et al. 2021. PubMed ID: 34948090; Table S1, Karali et al. 2022. PubMed ID: 36460718). This variant is reported in 0.0018% of alleles in individuals of European (Non-Finnish) descent in gnomAD. This variant is listed in ClinVar as likely pathogenic and pathogenic. This variant is interpreted as likely pathogenic.

Counsyl
Classification: Likely pathogenic for Retinitis pigmentosa 39. Last evaluated: 2017-02-14. Review status: no assertion criteria provided. Collection method: clinical testing. Allele origin: unknown. Not counted in ClinVar's aggregate classification.

NIHR Bioresource Rare Diseases, University of Cambridge
Classification: Likely pathogenic for Usher syndrome. Last evaluated: 2015-01-01. Review status: no assertion criteria provided. Collection method: research. Allele origin: unknown. Affected: yes. Observed: 1 variant allele. Not counted in ClinVar's aggregate classification.

Literature cited by the submitters: PubMed 33576794 (cited by Natera, Inc.); PubMed 28653555 (cited by 4 submitters); PubMed 27460420 (cited by 5 submitters); PubMed 25575603 (cited by 6 submitters); PubMed 17405132 (cited by 5 submitters); PubMed 24498627 (cited by 5 submitters); PubMed 29142287 (cited by 3 submitters); PubMed 21569298 (cited by 4 submitters); PubMed 18273898 (cited by 4 submitters); PubMed 28041643 (cited by Ocular Genomics Institute, Massachusetts Eye and Ear and NIHR Bioresource Rare Diseases, University of Cambridge); PubMed 16963483 (cited by 3 submitters).

NM_206933.4(USH2A):c.1055C>T (p.Thr352Ile)

Gene: USH2A (usherin; minus strand). Cytogenetic location: 1q41.
Variant type: single nucleotide variant.
Coding change: c.1055C>T on transcript NM_206933.4 (MANE Select); coding-DNA position 1055, C replaced by T.
Protein change: p.Thr352Ile; replaces threonine 352 with isoleucine.
Molecular consequence: missense variant.
Genome position (GRCh38, 1-based): chr1:216,325,393, G>A on the plus strand (C>T on the coding strand, the complement: USH2A is on the minus strand). VCF-style: chr1-216325393-G-A. GRCh37 (hg19) VCF-style: chr1-216498735-G-A.
Other names: c.1055C>T, p.Thr352Ile (NM_007123.6); c.1055C>T (NM_206933.3); short protein forms T352I.
Identifiers: ClinVar variation 438002 (VCV000438002.41), dbSNP rs780308389, ClinGen allele CA1396612.